The following is an entry in ClinVar:

ClinVar aggregate classification (germline): Pathogenic (1 of 4 stars; one submission).

Submission:

Labcorp Genetics (formerly Invitae), Labcorp
Classification: Pathogenic. Last evaluated: 2026-01-26. Review status: criteria provided, single submitter. Criteria: Invitae Variant Classification Sherloc (09022015). Collection method: clinical testing. Allele origin: germline.
Comment: This sequence change replaces tyrosine, which is neutral and polar, with aspartic acid, which is acidic and polar, at codon 465 of the KRT6A protein (p.Tyr465Asp). This variant is not present in population databases (gnomAD no frequency). This missense change has been observed in individuals with pachyonychia congenita (PMID: 31823354; internal data). Invitae Evidence Modeling of protein sequence and biophysical properties (such as structural, functional, and spatial information, amino acid conservation, physicochemical variation, residue mobility, and thermodynamic stability) indicates that this missense variant is expected to disrupt KRT6A protein function with a positive predictive value of 95%. This variant disrupts the p.Tyr465 amino acid residue in KRT6A. Other variant(s) that disrupt this residue have been observed in individuals with KRT6A-related conditions (PMID: 31823354), which suggests that this may be a clinically significant amino acid residue. For these reasons, this variant has been classified as Pathogenic.

Literature cited by the submitters: PubMed 31823354.

NM_005554.4(KRT6A):c.1393T>G (p.Tyr465Asp)

Gene: KRT6A (keratin 6A; minus strand). Cytogenetic location: 12q13.13.
Variant type: single nucleotide variant.
Coding change: c.1393T>G on transcript NM_005554.4 (MANE Select); coding-DNA position 1393, T replaced by G.
Protein change: p.Tyr465Asp; replaces tyrosine 465 with aspartic acid.
Molecular consequence: missense variant.
Genome position (GRCh38, 1-based): chr12:52,488,359, A>C on the plus strand (T>G on the coding strand, the complement: KRT6A is on the minus strand). VCF-style: chr12-52488359-A-C. GRCh37 (hg19) VCF-style: chr12-52882143-A-C.
Other names: short protein forms Y465D.
Identifiers: ClinVar variation 4695093 (VCV004695093.1).